The following is an entry in ClinVar:

ClinVar aggregate classification (germline): Likely benign. Review status: criteria provided, single submitter (1 of 4 stars). 2 submissions from 2 submitters: Likely benign (1). 1 of the submissions does not count toward it. Last evaluated 2023-07-20.

Conditions:
Rubinstein-Taybi syndrome due to EP300 haploinsufficiency. Also called: EP300-Related Rubinstein-Taybi Syndrome; RUBINSTEIN-TAYBI SYNDROME 2. Identifiers: Orphanet 353284, Orphanet 783, MedGen C3150941, MONDO:0013364, OMIM 613684.
EP300-related disorder. Also called: EP300-related condition; EP300-related disorders.

Allele frequency attached by ClinVar (database versions not stated): gnomAD exomes below 0.00001; ExAC 0.00001.
gnomAD v4.1: 1 of 1,589,832 alleles (0.000063%); highest among the groups gnomAD compares: Non-Finnish European, 0.000086%; no homozygotes.

Submissions (2):

Labcorp Genetics (formerly Invitae), Labcorp
Classification: Likely benign for Rubinstein-Taybi syndrome due to EP300 haploinsufficiency. Last evaluated: 2023-07-20. Review status: criteria provided, single submitter. Criteria: Invitae Variant Classification Sherloc (09022015). Collection method: clinical testing. Allele origin: germline.

PreventionGenetics, part of Exact Sciences
Classification: Likely benign for EP300-related condition. Last evaluated: 2024-08-27. Review status: no assertion criteria provided. Collection method: clinical testing. Allele origin: germline. Not counted in ClinVar's aggregate classification.
Comment: This variant is classified as likely benign based on ACMG/AMP sequence variant interpretation guidelines (Richards et al. 2015 PMID: 25741868, with internal and published modifications).

NM_001429.4(EP300):c.1622+10A>T

Gene: EP300 (EP300 lysine acetyltransferase; plus strand). Cytogenetic location: 22q13.2.
Variant type: single nucleotide variant.
Coding change: c.1622+10A>T on transcript NM_001429.4 (MANE Select); 10 bases into the intron after coding-DNA position 1622, A replaced by T.
Molecular consequence: intron variant.
Genome position (GRCh38, 1-based): chr22:41,135,916, A>T. VCF-style: chr22-41135916-A-T. GRCh37 (hg19) VCF-style: chr22-41531920-A-T.
Other names: c.1622+10A>T (NM_001429.3, NM_001362843.2).
Identifiers: ClinVar variation 2987053 (VCV002987053.4), dbSNP rs761696482, ClinGen allele CA10252562.